The following is an entry in ClinVar:

NM_001374828.1(ARID1B):c.594GCAGCAGCAGCAGCAGCAACAGCA[1] (p.Gln207_Gln214del)

Genes: ARID1B (AT-rich interaction domain 1B; plus strand), LOC115308161 (uncharacterized LOC115308161; minus strand). Cytogenetic location: 6q25.3.
Variant type: Microsatellite.
Coding change: c.594GCAGCAGCAGCAGCAGCAACAGCA[1] on transcript NM_001374828.1 (MANE Select); one copy of the 24-base unit GCAGCAGCAGCAGCAGCAACAGCA starting at c.594; the reference has two copies in a row; one copy, 24 bases deleted.
Protein change: p.Gln207_Gln214del.
Molecular consequence: inframe deletion. On other transcripts: non-coding transcript variant (1).
Genome position (GRCh38, 1-based): chr6:156,778,298-156,778,321, GCAGCAGCAGCAGCAGCAACAGCA deleted; deleting any 24 consecutive bases within chr6:156,778,269-156,778,321 gives the same sequence; the position shown is the placement nearest the transcript's 3' end. VCF-style (leftmost placement, unchanged base first): chr6-156778268-CCAGCAGCAGCAGCAGCAGCAGCAA-C. GRCh37 (hg19) VCF-style: chr6-157099402-CCAGCAGCAGCAGCAGCAGCAGCAA-C.
Other names: c.369_392del (NM_020732.3); c.369_392delGCAGCAGCAGCAGCAGCAACAGCA (NM_020732.3); c.369_392del24 (NM_020732.3); c.594GCAGCAGCAGCAGCAGCAACAGCA[1], p.Gln207_Gln214del (NM_001371656.1, NM_001374820.1, NM_017519.3).
Identifiers: ClinVar variation 591903 (VCV000591903.37), dbSNP rs770869529, ClinGen allele CA571907134.
Genomic context (GRCh38, chr6:156,778,268, plus strand): 5'-CCACCACCATGCCCACCACCTCCACCACCACCACGCACTACAGCAGCAGCTAAACCAGTT[CCAGCAGCAGCAGCAGCAGCAGCAA>C]CAGCAGCAGCAGCAGCAGCAGCAACAGCAACATCCCATTTCCAACAACAACAGCTTGGGC-3'

ClinVar aggregate classification (germline): Likely benign. Review status: criteria provided, multiple submitters, no conflicts (2 of 4 stars). 7 submissions from 7 submitters: Likely benign (5). 2 of the submissions do not count toward it. Last evaluated 2026-09-01.

Conditions:
ARID1B-Related Disorder. Identifiers: MedGen CN381337.
Inborn genetic diseases. Identifiers: MedGen C0950123, MeSH D030342.

Submissions (7):

CeGaT Center for Human Genetics Tuebingen
Classification: Likely benign. Last evaluated: 2026-09-01. Review status: criteria provided, single submitter. Criteria: CeGaT Center For Human Genetics Tuebingen Variant Classification Criteria Version 2. Collection method: clinical testing. Allele origin: germline. Affected: yes. Observed: 4 variant alleles.
Comment: ARID1B: BS2

Labcorp Genetics (formerly Invitae), Labcorp
Classification: Likely benign. Last evaluated: 2025-12-16. Review status: criteria provided, single submitter. Criteria: Invitae Variant Classification Sherloc (09022015). Collection method: clinical testing. Allele origin: germline.

Blueprint Genetics
Classification: Likely benign. Last evaluated: 2024-07-02. Review status: criteria provided, single submitter. Criteria: ACMG Guidelines, 2015. Collection method: clinical testing. Allele origin: germline.

GeneDx
Classification: Likely benign. Last evaluated: 2022-02-21. Review status: criteria provided, single submitter. Criteria: GeneDx Variant Classification Process June 2021. Collection method: clinical testing. Allele origin: germline. Affected: yes.
Comment: Reported in an individual with growth retardation/short stature, microcephaly, intellectual disability, seizures, hirsuitism, and dysmorphic facial features suggestive of Cornelia de Lange syndrome syndrome, who is likely this same patient (Yavarna et al., 2015); In-frame deletion of 8 amino acids in a repetitive region with no known function; This variant is associated with the following publications: (PMID: 26077850)

Ambry Genetics
Classification: Likely benign for Inborn genetic diseases. Last evaluated: 2021-06-30. Review status: criteria provided, single submitter. Criteria: Ambry Variant Classification Scheme 2023. Collection method: clinical testing. Allele origin: germline.

PreventionGenetics, part of Exact Sciences
Classification: Likely benign for ARID1B-related condition. Last evaluated: 2023-11-08. Review status: no assertion criteria provided. Collection method: clinical testing. Allele origin: germline. Not counted in ClinVar's aggregate classification.
Comment: This variant is classified as likely benign based on ACMG/AMP sequence variant interpretation guidelines (Richards et al. 2015 PMID: 25741868, with internal and published modifications).

Gharavi Laboratory, Columbia University
Classification: Uncertain significance. Last evaluated: 2018-09-16. Review status: no assertion criteria provided. Criteria: ACMG Guidelines, 2015. Collection method: research. Allele origin: germline. Affected: yes. Not counted in ClinVar's aggregate classification.